The following is an entry in ClinVar:

NM_002291.3(LAMB1):c.1168C>T (p.Arg390Ter)

Gene: LAMB1 (laminin subunit beta 1; minus strand). Cytogenetic location: 7q31.1.
Variant type: single nucleotide variant.
Coding change: c.1168C>T on transcript NM_002291.3 (MANE Select); coding-DNA position 1168, C replaced by T.
Protein change: p.Arg390Ter; replaces arginine 390 with a stop codon.
Molecular consequence: nonsense.
Genome position (GRCh38, 1-based): chr7:107,975,710, G>A on the plus strand (C>T on the coding strand, the complement: LAMB1 is on the minus strand). VCF-style: chr7-107975710-G-A. GRCh37 (hg19) VCF-style: chr7-107616155-G-A.
Other names: short protein forms R390*.
Identifiers: ClinVar variation 1172685 (VCV001172685.1), dbSNP rs140459621, ClinGen allele CA164265671.

ClinVar aggregate classification (germline): Likely pathogenic (1 of 4 stars; one submission).

gnomAD v4.1: 20 of 1,612,222 alleles (0.0012%); highest among the groups gnomAD compares: Non-Finnish European, 0.0015%; no homozygotes.

Submission:

GeneDx
Classification: Likely pathogenic. Last evaluated: 2020-08-04. Review status: criteria provided, single submitter. Criteria: GeneDx Variant Classification (06012015). Collection method: clinical testing. Allele origin: germline. Affected: yes.
Comment: Nonsense variant predicted to result in protein truncation or nonsense mediated decay in a gene for which loss-of-function is a known mechanism of disease Not observed at a significant frequency in large population cohorts (Lek et al., 2016) Has not been previously published as pathogenic or benign to our knowledge